The following is an entry in ClinVar:

NM_201384.3(PLEC):c.12955G>A (p.Gly4319Arg)

Gene: PLEC (plectin; minus strand). Cytogenetic location: 8q24.3.
Variant type: single nucleotide variant.
Coding change: c.12955G>A on transcript NM_201384.3 (MANE Select); coding-DNA position 12955, G replaced by A.
Protein change: p.Gly4319Arg; replaces glycine 4319 with arginine.
Molecular consequence: missense variant.
Genome position (GRCh38, 1-based): chr8:143,916,866, C>T on the plus strand (G>A on the coding strand, the complement: PLEC is on the minus strand). VCF-style: chr8-143916866-C-T. GRCh37 (hg19) VCF-style: chr8-144991034-C-T.
Other names: c.13036G>A, p.Gly4346Arg (NM_000445.5); c.12913G>A, p.Gly4305Arg (NM_201378.4); c.12889G>A, p.Gly4297Arg (NM_201379.3); c.13366G>A, p.Gly4456Arg (NM_201380.4); c.12859G>A, p.Gly4287Arg (NM_201381.3); c.12955G>A, p.Gly4319Arg (NM_201382.4); c.12967G>A, p.Gly4323Arg (NM_201383.3); short protein forms G4319R, G4287R, G4297R, G4323R, G4305R, G4346R, G4456R.
Identifiers: ClinVar variation 1522768 (VCV001522768.6), dbSNP rs782444726, ClinGen allele CA4923942.

ClinVar aggregate classification (germline): Uncertain significance (1 of 4 stars; one submission).

Conditions:
Epidermolysis bullosa simplex 5B, with muscular dystrophy (EBS5B). Also called: EPIDERMOLYSIS BULLOSA SIMPLEX AND LIMB-GIRDLE MUSCULAR DYSTROPHY; Epidermolysis bullosa simplex with muscular dystrophy. Identifiers: Orphanet 257, MedGen C2931072, MONDO:0009181, OMIM 226670.
Epidermolysis bullosa simplex with nail dystrophy (EBS5D). Identifiers: MedGen C4225309, MONDO:0014661, OMIM 616487.
Epidermolysis bullosa simplex, Ogna type (EBS5A). Also called: Pidermolysis bullosa simplex 5A, Ogna type; EPIDERMOLYSIS BULLOSA SIMPLEX 5A, OGNA TYPE. Identifiers: Orphanet 79401, MedGen C0432317, MONDO:0007555, OMIM 131950.
Epidermolysis bullosa simplex 5C, with pyloric atresia (EBS5C). Also called: PLEC-Related Epidermolysis Bullosa with Pyloric Atresia; Epidermolysis bullosa simplex with pyloric atresia; PLEC1-Related Epidermolysis Bullosa with Pyloric Atresia. Identifiers: Orphanet 158684, MedGen C2677349, MONDO:0012807, OMIM 612138.
Autosomal recessive limb-girdle muscular dystrophy type 2Q (LGMDR17). Also called: MUSCULAR DYSTROPHY, LIMB-GIRDLE, AUTOSOMAL RECESSIVE 17. Identifiers: Orphanet 254361, MedGen C3150989, MONDO:0013390, OMIM 613723.

Allele frequency attached by ClinVar (database versions not stated): gnomAD exomes below 0.00001; ExAC 0.00001.
gnomAD v4.1: 6 of 1,611,512 alleles (0.00037%); highest among the groups gnomAD compares: Non-Finnish European, 0.00051%; no homozygotes.

Submission:

Labcorp Genetics (formerly Invitae), Labcorp
Classification: Uncertain significance for Autosomal recessive limb-girdle muscular dystrophy type 2Q; Epidermolysis bullosa simplex, Ogna type; Epidermolysis bullosa simplex with nail dystrophy; Epidermolysis bullosa simplex 5C, with pyloric atresia; Epidermolysis bullosa simplex 5B, with muscular dystrophy. Last evaluated: 2021-08-03. Review status: criteria provided, single submitter. Criteria: Invitae Variant Classification Sherloc (09022015). Collection method: clinical testing. Allele origin: germline.
Comment: In summary, the available evidence is currently insufficient to determine the role of this variant in disease. Therefore, it has been classified as a Variant of Uncertain Significance. Algorithms developed to predict the effect of missense changes on protein structure and function (SIFT, PolyPhen-2, Align-GVGD) all suggest that this variant is likely to be disruptive. This variant has not been reported in the literature in individuals affected with PLEC-related conditions. This variant is present in population databases (rs782444726, ExAC 0.002%). This sequence change replaces glycine with arginine at codon 4346 of the PLEC protein (p.Gly4346Arg). The glycine residue is highly conserved and there is a moderate physicochemical difference between glycine and arginine.